The following is an entry in ClinVar:

ClinVar aggregate classification (germline): Likely benign (1 of 4 stars; one submission).

Allele frequency attached by ClinVar (database versions not stated): TOPMed below 0.00001.
gnomAD v4.1: 6 of 1,610,058 alleles (0.00037%); highest among the groups gnomAD compares: Middle Eastern, 0.016%; no homozygotes.

Submission:

CeGaT Center for Human Genetics Tuebingen
Classification: Likely benign. Last evaluated: 2023-08-01. Review status: criteria provided, single submitter. Criteria: CeGaT Center For Human Genetics Tuebingen Variant Classification Criteria Version 2. Collection method: clinical testing. Allele origin: germline. Affected: yes. Observed: 1 variant allele.
Comment: SBF1: BP4, BP7

NM_002972.4(SBF1):c.1533C>T (p.Gly511=)

Gene: SBF1 (SET binding factor 1; minus strand). Cytogenetic location: 22q13.33.
Variant type: single nucleotide variant.
Coding change: c.1533C>T on transcript NM_002972.4 (MANE Select); coding-DNA position 1533, C replaced by T.
Protein change: p.Gly511=; no amino-acid change (glycine 511 retained).
Molecular consequence: synonymous variant.
Genome position (GRCh38, 1-based): chr22:50,464,637, G>A on the plus strand (C>T on the coding strand, the complement: SBF1 is on the minus strand). VCF-style: chr22-50464637-G-A. GRCh37 (hg19) VCF-style: chr22-50903066-G-A.
Other names: c.1536C>T, p.Gly512= (NM_001365819.1, NM_001410794.1); c.1533C>T, p.Gly511= (NM_001410795.1, NM_197971.1).
Identifiers: ClinVar variation 2653392 (VCV002653392.24), dbSNP rs769478830, ClinGen allele CA515384230.